The following is an entry in ClinVar:

NM_001005361.3(DNM2):c.876G>A (p.Ser292=)

Gene: DNM2 (dynamin 2; plus strand). Cytogenetic location: 19p13.2.
Variant type: single nucleotide variant.
Coding change: c.876G>A on transcript NM_001005361.3 (MANE Select); coding-DNA position 876, G replaced by A.
Protein change: p.Ser292=; no amino-acid change (serine 292 retained).
Molecular consequence: synonymous variant.
Genome position (GRCh38, 1-based): chr19:10,786,590, G>A. VCF-style: chr19-10786590-G-A. GRCh37 (hg19) VCF-style: chr19-10897266-G-A.
Other names: c.876G>A, p.Ser292= (NM_001005360.3, NM_001005362.3, NM_001190716.2 and 1 more transcripts).
Identifiers: ClinVar variation 447275 (VCV000447275.14), dbSNP rs749140605, ClinGen allele CA9200919.
Genomic context (GRCh38, chr19:10,786,590, plus strand): 5'-CCACCCTTTCTGATCTCTGACCTCTCTCCTGCAGCAACTGACCAACCACATCCGGGAGTC[G>A]CTGCCGGCCCTACGTAGCAAACTACAGAGCCAGCTGCTGTCCCTGGAGAAGGAGGTGGAG-3'
Protein context (NP_001005361.1, residues 282-302): NQQLTNHIRE[Ser292=]LPALRSKLQS

ClinVar aggregate classification (germline): Benign/Likely benign. Review status: criteria provided, multiple submitters, no conflicts (2 of 4 stars). 5 submissions from 5 submitters: Benign (1); Likely benign (4). Last evaluated 2026-04-30.

Conditions:
DNM2-related disorder. Also called: DNM2-related condition.
Inborn genetic diseases. Identifiers: MedGen C0950123, MeSH D030342.
Charcot-Marie-Tooth disease dominant intermediate B (CMTDIB). Also called: CHARCOT-MARIE-TOOTH NEUROPATHY, DOMINANT INTERMEDIATE B; Charcot-Marie-Tooth disease dominant intermediate 1; CMT DI1; Charcot-Marie-Tooth disease dominant intermediate I. Identifiers: Orphanet 100044, Orphanet 228179, MedGen C1847902, MONDO:0011674, OMIM 606482.

Allele frequency attached by ClinVar (database versions not stated): TOPMed 0.00005; gnomAD exomes 0.00006; ExAC 0.00007; gnomAD 0.00007 and 0.00008.
gnomAD v4.1: 163 of 1,613,954 alleles (0.01%); highest among the groups gnomAD compares: Non-Finnish European, 0.013%; no homozygotes.

Submissions (5):

PreventionGenetics, part of Exact Sciences
Classification: Likely benign for DNM2-related condition. Last evaluated: 2026-04-30. Review status: criteria provided, single submitter. Criteria: ACMG Guidelines, 2015. Collection method: clinical testing. Allele origin: germline.
Comment: This variant is classified as likely benign based on ACMG/AMP sequence variant interpretation guidelines (Richards et al. 2015 PMID: 25741868, with internal and published modifications).

Labcorp Genetics (formerly Invitae), Labcorp
Classification: Likely benign for Charcot-Marie-Tooth disease dominant intermediate B. Last evaluated: 2025-12-15. Review status: criteria provided, single submitter. Criteria: Invitae Variant Classification Sherloc (09022015). Collection method: clinical testing. Allele origin: germline.

Ambry Genetics
Classification: Likely benign for Inborn genetic diseases. Last evaluated: 2019-07-11. Review status: criteria provided, single submitter. Criteria: Ambry Variant Classification Scheme 2023. Collection method: clinical testing. Allele origin: germline.

GeneDx
Classification: Likely benign. Last evaluated: 2017-11-14. Review status: criteria provided, single submitter. Criteria: GeneDx Variant Classification (06012015). Collection method: clinical testing. Allele origin: germline. Affected: yes.
Comment: This variant is considered likely benign or benign based on one or more of the following criteria: it is a conservative change, it occurs at a poorly conserved position in the protein, it is predicted to be benign by multiple in silico algorithms, and/or has population frequency not consistent with disease.

Athena Diagnostics
Classification: Benign. Last evaluated: 2016-09-30. Review status: criteria provided, single submitter. Criteria: Athena Diagnostics Criteria. Collection method: clinical testing. Allele origin: germline.